The following is an entry in ClinVar:

NM_005633.4(SOS1):c.1624A>C (p.Ile542Leu)

Gene: SOS1 (SOS Ras/Rac guanine nucleotide exchange factor 1; minus strand). Cytogenetic location: 2p22.1.
Variant type: single nucleotide variant.
Coding change: c.1624A>C on transcript NM_005633.4 (MANE Select); coding-DNA position 1624, A replaced by C.
Protein change: p.Ile542Leu; replaces isoleucine 542 with leucine.
Molecular consequence: missense variant.
Genome position (GRCh38, 1-based): chr2:39,022,804, T>G on the plus strand (A>C on the coding strand, the complement: SOS1 is on the minus strand). VCF-style: chr2-39022804-T-G. GRCh37 (hg19) VCF-style: chr2-39249945-T-G.
Other names: c.1603A>C, p.Ile535Leu (NM_001382394.1); c.1624A>C, p.Ile542Leu (NM_001382395.1); short protein forms I535L, I542L.
Identifiers: ClinVar variation 4705809 (VCV004705809.1).

ClinVar aggregate classification (germline): Uncertain significance (1 of 4 stars; one submission).

Conditions:
RASopathy. Also called: rasopathies; Noonan spectrum disorder. Identifiers: Orphanet 536391, MedGen C5555857, MONDO:0021060.

Submission:

Labcorp Genetics (formerly Invitae), Labcorp
Classification: Uncertain significance for RASopathy. Last evaluated: 2025-03-03. Review status: criteria provided, single submitter. Criteria: Invitae Variant Classification Sherloc (09022015). Collection method: clinical testing. Allele origin: germline.
Comment: This sequence change replaces isoleucine, which is neutral and non-polar, with leucine, which is neutral and non-polar, at codon 542 of the SOS1 protein (p.Ile542Leu). This variant is not present in population databases (gnomAD no frequency). This variant has not been reported in the literature in individuals affected with SOS1-related conditions. Invitae Evidence Modeling of protein sequence and biophysical properties (such as structural, functional, and spatial information, amino acid conservation, physicochemical variation, residue mobility, and thermodynamic stability) indicates that this missense variant is not expected to disrupt SOS1 protein function with a negative predictive value of 95%. In summary, the available evidence is currently insufficient to determine the role of this variant in disease. Therefore, it has been classified as a Variant of Uncertain Significance.